The following is an entry in ClinVar:

NM_000057.4(BLM):c.2611C>T (p.Pro871Ser)

Gene: BLM (BLM RecQ like helicase; plus strand). Cytogenetic location: 15q26.1.
Variant type: single nucleotide variant.
Coding change: c.2611C>T on transcript NM_000057.4 (MANE Select); coding-DNA position 2611, C replaced by T.
Protein change: p.Pro871Ser; replaces proline 871 with serine.
Molecular consequence: missense variant.
Genome position (GRCh38, 1-based): chr15:90,782,877, C>T. VCF-style: chr15-90782877-C-T. GRCh37 (hg19) VCF-style: chr15-91326107-C-T.
Other names: c.2611C>T, p.Pro871Ser (NM_001287246.2, NM_001287247.2); c.1486C>T, p.Pro496Ser (NM_001287248.2); c.2611C>T (NM_000057.2); short protein forms P496S, P871S.
Identifiers: ClinVar variation 4737930 (VCV004737930.2), dbSNP rs1596250378.

ClinVar aggregate classification (germline): Uncertain significance. Review status: criteria provided, multiple submitters, no conflicts (2 of 4 stars). 2 submissions from 2 submitters: Uncertain significance (2). Last evaluated 2026-03-02.

Conditions:
Bloom syndrome (BLM). Also called: Bloom-Torre-Machacek syndrome. Identifiers: Orphanet 125, MedGen C0005859, MONDO:0008876, OMIM 210900.
Hereditary cancer-predisposing syndrome. Also called: Neoplastic Syndromes, Hereditary; Hereditary neoplastic syndrome; Tumor predisposition; Hereditary Cancer Syndrome. Identifiers: Orphanet 140162, MedGen C0027672, MeSH D009386, MONDO:0015356.

Submissions (2):

Ambry Genetics
Classification: Uncertain significance for Hereditary cancer-predisposing syndrome. Last evaluated: 2026-03-02. Review status: criteria provided, single submitter. Criteria: Ambry Variant Classification Scheme 2023. Collection method: clinical testing. Allele origin: germline.
Comment: The p.P871S variant (also known as c.2611C>T), located in coding exon 12 of the BLM gene, results from a C to T substitution at nucleotide position 2611. The proline at codon 871 is replaced by serine, an amino acid with similar properties. This amino acid position is conserved. In addition, the in silico prediction for this alteration is inconclusive. Based on the available evidence, the clinical significance of this variant remains unclear.

Labcorp Genetics (formerly Invitae), Labcorp
Classification: Uncertain significance for Bloom syndrome. Last evaluated: 2025-05-22. Review status: criteria provided, single submitter. Criteria: Invitae Variant Classification Sherloc (09022015). Collection method: clinical testing. Allele origin: germline.
Comment: This sequence change replaces proline, which is neutral and non-polar, with serine, which is neutral and polar, at codon 871 of the BLM protein (p.Pro871Ser). This variant is not present in population databases (gnomAD no frequency). This variant has not been reported in the literature in individuals affected with BLM-related conditions. Invitae Evidence Modeling of protein sequence and biophysical properties (such as structural, functional, and spatial information, amino acid conservation, physicochemical variation, residue mobility, and thermodynamic stability) indicates that this missense variant is not expected to disrupt BLM protein function with a negative predictive value of 80%. In summary, the available evidence is currently insufficient to determine the role of this variant in disease. Therefore, it has been classified as a Variant of Uncertain Significance.